The following is an entry in ClinVar:

ClinVar aggregate classification (germline): Likely benign. Review status: criteria provided, multiple submitters, no conflicts (2 of 4 stars). 4 submissions from 4 submitters: Likely benign (4). Last evaluated 2026-02-26.

Conditions:
ARL13B-related disorder. Also called: ARL13B-related condition.
Inborn genetic diseases. Identifiers: MedGen C0950123, MeSH D030342.
Joubert syndrome 8 (JBTS8). Identifiers: Orphanet 475, MedGen C2676771, MONDO:0012855, OMIM 612291.

Allele frequency attached by ClinVar (database versions not stated): gnomAD exomes 0.00008 and 0.00016; ExAC 0.00016; gnomAD 0.00073 and 0.00079; TOPMed 0.00084; 1000 Genomes Project 30x 0.00031; 1000 Genomes Project 0.00040; ESP Exome Variant Server 0.00054.
gnomAD v4.1: 227 of 1,613,424 alleles (0.014%); highest among the groups gnomAD compares: African/African-American, 0.28%; 1 homozygote.

Submissions (4):

PreventionGenetics, part of Exact Sciences
Classification: Likely benign for ARL13B-related condition. Last evaluated: 2026-02-26. Review status: criteria provided, single submitter. Criteria: ACMG Guidelines, 2015. Collection method: clinical testing. Allele origin: germline.
Comment: This variant is classified as likely benign based on ACMG/AMP sequence variant interpretation guidelines (Richards et al. 2015 PMID: 25741868, with internal and published modifications).

Labcorp Genetics (formerly Invitae), Labcorp
Classification: Likely benign for Joubert syndrome 8. Last evaluated: 2026-01-24. Review status: criteria provided, single submitter. Criteria: Invitae Variant Classification Sherloc (09022015). Collection method: clinical testing. Allele origin: germline.

Blueprint Genetics
Classification: Likely benign. Last evaluated: 2024-04-10. Review status: criteria provided, single submitter. Criteria: ACMG Guidelines, 2015. Collection method: clinical testing. Allele origin: germline.

Ambry Genetics
Classification: Likely benign for Inborn genetic diseases. Last evaluated: 2021-06-25. Review status: criteria provided, single submitter. Criteria: Ambry Variant Classification Scheme 2023. Collection method: clinical testing. Allele origin: germline.

NM_001174150.2(ARL13B):c.943G>A (p.Gly315Arg)

Gene: ARL13B (ARF like GTPase 13B; plus strand). Cytogenetic location: 3q11.2.
Variant type: single nucleotide variant.
Coding change: c.943G>A on transcript NM_001174150.2 (MANE Select); coding-DNA position 943, G replaced by A.
Protein change: p.Gly315Arg; replaces glycine 315 with arginine.
Molecular consequence: missense variant. On other transcripts: non-coding transcript variant (2).
Genome position (GRCh38, 1-based): chr3:94,043,159, G>A. VCF-style: chr3-94043159-G-A. GRCh37 (hg19) VCF-style: chr3-93762003-G-A.
Other names: c.634G>A, p.Gly212Arg (NM_001174151.2); c.898G>A, p.Gly300Arg (NM_001321328.2); c.622G>A, p.Gly208Arg (NM_144996.4); c.943G>A, p.Gly315Arg (NM_182896.3); short protein forms G300R, G315R, G212R, G208R.
Identifiers: ClinVar variation 798227 (VCV000798227.13), dbSNP rs143785315, ClinGen allele CA2504214.